The following is an entry in ClinVar:

NM_003820.4(TNFRSF14):c.521G>A (p.Gly174Glu)

Gene: TNFRSF14 (TNF receptor superfamily member 14; plus strand). Cytogenetic location: 1p36.32.
Variant type: single nucleotide variant.
Coding change: c.521G>A on transcript NM_003820.4 (MANE Select); coding-DNA position 521, G replaced by A.
Protein change: p.Gly174Glu; replaces glycine 174 with glutamic acid.
Molecular consequence: missense variant.
Genome position (GRCh38, 1-based): chr1:2,560,684, G>A. VCF-style: chr1-2560684-G-A. GRCh37 (hg19) VCF-style: chr1-2492123-G-A.
Other names: c.521G>A, p.Gly174Glu (NM_001297605.2); short protein forms G174E.
Identifiers: ClinVar variation 135354 (VCV000135354.1), dbSNP rs11573986, ClinGen allele CA162460.
Genomic context (GRCh38, chr1:2,560,684, plus strand): 5'-GCACCGAGAGTCAGGACACCCTGTGTCAGAACTGCCCCCCGGGGACCTTCTCTCCCAATG[G>A]GACCCTGGAGGAATGTCAGCACCAGACCAAGTAAGTGAACCCGGGGGAGGCCCAGCTCTG-3'
Protein context (NP_003811.2, residues 164-184): NCPPGTFSPN[Gly174Glu]TLEECQHQTK

ClinVar aggregate classification (germline): not provided (0 of 4 stars; one submission).

Allele frequency attached by ClinVar (database versions not stated): gnomAD exomes 0.00056 and 0.00151; ExAC 0.00183; gnomAD 0.00605 and 0.00655; 1000 Genomes Project 30x 0.00656; 1000 Genomes Project 0.00659; ESP Exome Variant Server 0.00700; TOPMed 0.00700.
gnomAD v4.1: 1,777 of 1,613,388 alleles (0.11%); highest among the groups gnomAD compares: African/African-American, 2.1%; 20 homozygotes.

Submission:

ITMI
No classification provided. Condition: AllHighlyPenetrant. Last evaluated: 2013-09-19. Review status: no classification provided. Collection method: reference population. Allele origin: germline.
Comment: Please see associated publication for description of ethnicities

Literature cited by the submitters: PubMed 24728327.